The following is an entry in ClinVar:

NM_001673.5(ASNS):c.487+1G>A

Genes: ASNS (asparagine synthetase (glutamine-hydrolyzing); minus strand), CZ1P-ASNS (CZ1P-ASNS readthrough; minus strand). Cytogenetic location: 7q21.3.
Variant type: single nucleotide variant.
Coding change: c.487+1G>A on transcript NM_001673.5 (MANE Select); the canonical splice donor site of the intron after coding-DNA position 487, G replaced by A.
Molecular consequence: splice donor variant.
Genome position (GRCh38, 1-based): chr7:97,864,258, C>T on the plus strand (G>A on the coding strand, the complement: ASNS is on the minus strand). VCF-style: chr7-97864258-C-T. GRCh37 (hg19) VCF-style: chr7-97493570-C-T.
Other names: c.487+1G>A (NM_001352496.2, NM_183356.4, NM_133436.3); c.238+1G>A (NM_001178076.2, NM_001178077.1); c.424+1G>A (NM_001178075.2).
Identifiers: ClinVar variation 2064620 (VCV002064620.1), dbSNP rs2484681679, ClinGen allele CA368271072.

ClinVar aggregate classification (germline): Likely pathogenic (1 of 4 stars; one submission).

Submission:

Labcorp Genetics (formerly Invitae), Labcorp
Classification: Likely pathogenic. Last evaluated: 2022-01-26. Review status: criteria provided, single submitter. Criteria: Invitae Variant Classification Sherloc (09022015). Collection method: clinical testing. Allele origin: germline.
Comment: This sequence change affects a donor splice site in intron 4 of the ASNS gene. It is expected to disrupt RNA splicing. Variants that disrupt the donor or acceptor splice site typically lead to a loss of protein function (PMID: 16199547), and loss-of-function variants in ASNS are known to be pathogenic (PMID: 27422383, 30057589). This variant is not present in population databases (gnomAD no frequency). This variant has not been reported in the literature in individuals affected with ASNS-related conditions. Algorithms developed to predict the effect of sequence changes on RNA splicing suggest that this variant may disrupt the consensus splice site. In summary, the currently available evidence indicates that the variant is pathogenic, but additional data are needed to prove that conclusively. Therefore, this variant has been classified as Likely Pathogenic.

Literature cited by the submitters: PubMed 16199547; PubMed 27422383; PubMed 30057589.